The following is an entry in ClinVar:

ClinVar aggregate classification (germline): Uncertain significance (1 of 4 stars; one submission).

gnomAD v4.1: 4 of 1,614,156 alleles (0.00025%); highest among the groups gnomAD compares: Non-Finnish European, 0.00034%; no homozygotes.

Submission:

GeneDx
Classification: Uncertain significance. Last evaluated: 2024-04-15. Review status: criteria provided, single submitter. Criteria: GeneDx Variant Classification Process June 2021. Collection method: clinical testing. Allele origin: germline. Affected: yes.
Comment: Not observed at significant frequency in large population cohorts (gnomAD); In silico analysis supports that this missense variant has a deleterious effect on protein structure/function; Has not been previously published as pathogenic or benign to our knowledge

NM_001005273.3(CHD3):c.4250G>A (p.Arg1417Gln)

Gene: CHD3 (chromodomain helicase DNA binding protein 3; plus strand). Cytogenetic location: 17p13.1.
Variant type: single nucleotide variant.
Coding change: c.4250G>A on transcript NM_001005273.3 (MANE Select); coding-DNA position 4250, G replaced by A.
Protein change: p.Arg1417Gln; replaces arginine 1417 with glutamine.
Molecular consequence: missense variant.
Genome position (GRCh38, 1-based): chr17:7,905,881, G>A. VCF-style: chr17-7905881-G-A. GRCh37 (hg19) VCF-style: chr17-7809199-G-A.
Other names: c.4427G>A, p.Arg1476Gln (NM_001005271.3); c.4250G>A, p.Arg1417Gln (NM_005852.4); short protein forms R1417Q, R1476Q.
Identifiers: ClinVar variation 3372612 (VCV003372612.1).